The following is an entry in ClinVar:

NM_000321.3(RB1):c.2463A>G (p.Thr821=)

Gene: RB1 (RB transcriptional corepressor 1; plus strand). Cytogenetic location: 13q14.2.
Variant type: single nucleotide variant.
Coding change: c.2463A>G on transcript NM_000321.3 (MANE Select); coding-DNA position 2463, A replaced by G.
Protein change: p.Thr821=; no amino-acid change (threonine 821 retained).
Molecular consequence: synonymous variant.
Genome position (GRCh38, 1-based): chr13:48,465,342, A>G. VCF-style: chr13-48465342-A-G. GRCh37 (hg19) VCF-style: chr13-49039478-A-G.
Identifiers: ClinVar variation 312295 (VCV000312295.44), dbSNP rs370088029, ClinGen allele CA035665.

ClinVar aggregate classification (germline): Benign/Likely benign. Review status: criteria provided, multiple submitters, no conflicts (2 of 4 stars). 8 submissions from 8 submitters: Benign (4); Likely benign (4). Last evaluated 2026-06-25.

Conditions:
Hereditary cancer-predisposing syndrome. Also called: Tumor predisposition; Neoplastic Syndromes, Hereditary; Hereditary neoplastic syndrome; Hereditary Cancer Syndrome. Identifiers: Orphanet 140162, MedGen C0027672, MeSH D009386, MONDO:0015356.
Retinoblastoma (RB1). Also called: RETINOBLASTOMA, SOMATIC. Identifiers: Orphanet 790, MedGen C0035335, MeSH D012175, MONDO:0008380, OMIM 180200, HP:0009919. Disease mechanism: loss of function. Inheritance: Both sporadic and heritable forms are tested..

Allele frequency attached by ClinVar (database versions not stated): ExAC 0.00003; gnomAD exomes 0.00004 and 0.00007; TOPMed 0.00009; gnomAD 0.00010 and 0.00011; ESP Exome Variant Server 0.00015; 1000 Genomes Project 30x 0.00016; 1000 Genomes Project 0.00020.
gnomAD v4.1: 120 of 1,608,060 alleles (0.0075%); highest among the groups gnomAD compares: Non-Finnish European, 0.0084%; no homozygotes.

Submissions (8):

Myriad Genetics, Inc.
Classification: Benign for Retinoblastoma. Last evaluated: 2026-06-25. Review status: criteria provided, single submitter. Criteria: Myriad Autosomal Dominant, Autosomal Recessive and X-Linked Classification Criteria (2023). Collection method: clinical testing. Allele origin: unknown.
Comment: This variant is considered benign. This variant is a silent/synonymous amino acid change and it is not expected to impact splicing.

Labcorp Genetics (formerly Invitae), Labcorp
Classification: Benign for Retinoblastoma. Last evaluated: 2025-12-28. Review status: criteria provided, single submitter. Criteria: Invitae Variant Classification Sherloc (09022015). Collection method: clinical testing. Allele origin: germline.

CeGaT Center for Human Genetics Tuebingen
Classification: Likely benign. Last evaluated: 2025-01-01. Review status: criteria provided, single submitter. Criteria: CeGaT Center For Human Genetics Tuebingen Variant Classification Criteria Version 2. Collection method: clinical testing. Allele origin: germline. Affected: yes. Observed: 3 variant alleles.
Comment: RB1: BP4, BP7

Blueprint Genetics
Classification: Likely benign. Last evaluated: 2024-09-06. Review status: criteria provided, single submitter. Criteria: ACMG Guidelines, 2015. Collection method: clinical testing. Allele origin: germline.

All of Us Research Program, National Institutes of Health
Classification: Benign for Retinoblastoma. Last evaluated: 2023-12-13. Review status: criteria provided, single submitter. Criteria: ACMG Guidelines, 2015. Collection method: clinical testing. Allele origin: germline. Inheritance: Autosomal dominant inheritance. Observed: 22 variant alleles, 22 heterozygotes.
Comment: This study involves interpretation of variants in research participants for the purpose of population health screening. Participant phenotype was not available at the time of variant classification. Additional details can be found in publication PMID: 35346344, PMCID: PMC8962531

Color Diagnostics, LLC DBA Color Health
Classification: Benign for Retinoblastoma. Last evaluated: 2022-05-04. Review status: criteria provided, single submitter. Criteria: ACMG Guidelines, 2015. Collection method: clinical testing. Allele origin: germline.

Ambry Genetics
Classification: Likely benign for Hereditary cancer-predisposing syndrome. Last evaluated: 2017-07-07. Review status: criteria provided, single submitter. Criteria: Ambry Variant Classification Scheme 2023. Collection method: clinical testing. Allele origin: germline.

Illumina Laboratory Services, Illumina
Classification: Likely benign for Retinoblastoma. Last evaluated: 2017-04-28. Review status: criteria provided, single submitter. Criteria: ICSL Variant Classification Criteria 13 December 2019. Collection method: clinical testing. Allele origin: germline.
Comment: This variant was observed as part of a predisposition screen in an ostensibly healthy population. A literature search was performed for the gene, cDNA change, and amino acid change (where applicable). Publications were found based on this search. The evidence from the literature, in combination with allele frequency data from public databases where available, was sufficient to determine this variant is unlikely to cause disease. Therefore, this variant is classified as likely benign.

Literature cited by the submitters: PubMed 26925970 (cited by Illumina Laboratory Services, Illumina); PubMed 20059380 (cited by Illumina Laboratory Services, Illumina).